The following is an entry in ClinVar:

NM_138459.5(NUS1):c.580G>A (p.Glu194Lys)

Gene: NUS1 (NUS1 dehydrodolichyl diphosphate synthase subunit; plus strand). Cytogenetic location: 6q22.1.
Variant type: single nucleotide variant.
Coding change: c.580G>A on transcript NM_138459.5 (MANE Select); coding-DNA position 580, G replaced by A.
Protein change: p.Glu194Lys; replaces glutamic acid 194 with lysine.
Molecular consequence: missense variant.
Genome position (GRCh38, 1-based): chr6:117,694,069, G>A. VCF-style: chr6-117694069-G-A. GRCh37 (hg19) VCF-style: chr6-118015232-G-A.
Other names: short protein forms E194K.
Identifiers: ClinVar variation 1972148 (VCV001972148.5), dbSNP rs1314561700, ClinGen allele CA365536983.

ClinVar aggregate classification (germline): Uncertain significance (1 of 4 stars; one submission).

Conditions:
Congenital disorder of glycosylation, type Iaa. Also called: Congenital disorder of glycosylation, type 1aa. Identifiers: MedGen C4310727, MONDO:0014904, OMIM 617082.

Allele frequency attached by ClinVar (database versions not stated): TOPMed below 0.00001; gnomAD 0.00001.

Submission:

Labcorp Genetics (formerly Invitae), Labcorp
Classification: Uncertain significance for Congenital disorder of glycosylation, type Iaa. Last evaluated: 2022-09-22. Review status: criteria provided, single submitter. Criteria: Invitae Variant Classification Sherloc (09022015). Collection method: clinical testing. Allele origin: germline.
Comment: This sequence change replaces glutamic acid, which is acidic and polar, with lysine, which is basic and polar, at codon 194 of the NUS1 protein (p.Glu194Lys). This variant is not present in population databases (gnomAD no frequency). This variant has not been reported in the literature in individuals affected with NUS1-related conditions. Algorithms developed to predict the effect of missense changes on protein structure and function are either unavailable or do not agree on the potential impact of this missense change (SIFT: "Tolerated"; PolyPhen-2: "Possibly Damaging"; Align-GVGD: "Class C0"). In summary, the available evidence is currently insufficient to determine the role of this variant in disease. Therefore, it has been classified as a Variant of Uncertain Significance.